The following is an entry in ClinVar:

NM_173630.4(RTTN):c.398-257C>T

Gene: RTTN (rotatin; minus strand). Cytogenetic location: 18q22.2.
Variant type: single nucleotide variant.
Coding change: c.398-257C>T on transcript NM_173630.4 (MANE Select); 257 bases into the intron before coding-DNA position 398, C replaced by T.
Molecular consequence: intron variant.
Genome position (GRCh38, 1-based): chr18:70,202,240, G>A on the plus strand (C>T on the coding strand, the complement: RTTN is on the minus strand). VCF-style: chr18-70202240-G-A. GRCh37 (hg19) VCF-style: chr18-67869476-G-A.
Other names: c.-2156-257C>T (NM_001318520.2).
Identifiers: ClinVar variation 684133 (VCV000684133.1), dbSNP rs3851131, ClinGen allele CA301964473.
Genomic context (GRCh38, chr18:70,202,240, plus strand): 5'-AAGCTTTTTCCCTCTCACTTTTACTGTTAGCCAAACACAGTTATTTGTTAGAATGTACAC[G>A]AAGAATCTGCTACAAAGTATTCAAGGACTATCCCTCTCTACTTCCTAATCCATCTCCCTC-3'

ClinVar aggregate classification (germline): Likely benign (1 of 4 stars; one submission).

Allele frequency attached by ClinVar (database versions not stated): 1000 Genomes Project 30x 0.01999; gnomAD 0.01999 and 0.02049; 1000 Genomes Project 0.02057; TOPMed 0.02105.
gnomAD v4.1: 3,123 of 152,194 alleles (2.1%); highest among the groups gnomAD compares: Middle Eastern, 3.7%; 46 homozygotes.

Submission:

GeneDx
Classification: Likely benign. Last evaluated: 2018-06-19. Review status: criteria provided, single submitter. Criteria: GeneDx Variant Classification (06012015). Collection method: clinical testing. Allele origin: germline. Affected: yes.
Comment: This variant is considered likely benign or benign based on one or more of the following criteria: it is a conservative change, it occurs at a poorly conserved position in the protein, it is predicted to be benign by multiple in silico algorithms, and/or has population frequency not consistent with disease.